The following is an entry in ClinVar:

ClinVar aggregate classification (germline): Uncertain significance (1 of 4 stars; one submission).

Conditions:
Fanconi anemia complementation group J. Also called: BRIP1-Related Fanconi Anemia. Identifiers: Orphanet 84, MedGen C1836860, MONDO:0012187, OMIM 609054.
Familial cancer of breast. Also called: BREAST CANCER, FAMILIAL; Hereditary breast cancer; hereditary breast carcinoma. Identifiers: Orphanet 227535, MedGen C0346153, MONDO:0016419, OMIM 114480. Disease mechanism: loss of function.

Submission:

Labcorp Genetics (formerly Invitae), Labcorp
Classification: Uncertain significance for Familial cancer of breast; Fanconi anemia complementation group J. Last evaluated: 2023-07-19. Review status: criteria provided, single submitter. Criteria: Invitae Variant Classification Sherloc (09022015). Collection method: clinical testing. Allele origin: germline.
Comment: In summary, the available evidence is currently insufficient to determine the role of this variant in disease. Therefore, it has been classified as a Variant of Uncertain Significance. Algorithms developed to predict the effect of missense changes on protein structure and function output the following: SIFT: "Not Available"; PolyPhen-2: "Benign"; Align-GVGD: "Not Available". The lysine amino acid residue is found in multiple mammalian species, which suggests that this missense change does not adversely affect protein function. This variant has not been reported in the literature in individuals affected with BRIP1-related conditions. This variant is not present in population databases (gnomAD no frequency). This sequence change replaces arginine, which is basic and polar, with lysine, which is basic and polar, at codon 1154 of the BRIP1 protein (p.Arg1154Lys).

NM_032043.3(BRIP1):c.3461G>A (p.Arg1154Lys)

Gene: BRIP1 (BRCA1 interacting DNA helicase 1; minus strand). Cytogenetic location: 17q23.2.
Variant type: single nucleotide variant.
Coding change: c.3461G>A on transcript NM_032043.3 (MANE Select); coding-DNA position 3461, G replaced by A.
Protein change: p.Arg1154Lys; replaces arginine 1154 with lysine.
Molecular consequence: missense variant.
Genome position (GRCh38, 1-based): chr17:61,683,585, C>T on the plus strand (G>A on the coding strand, the complement: BRIP1 is on the minus strand). VCF-style: chr17-61683585-C-T. GRCh37 (hg19) VCF-style: chr17-59760946-C-T.
Other names: short protein forms R1154K.
Identifiers: ClinVar variation 2942089 (VCV002942089.3), dbSNP rs1057522433, ClinGen allele CA400478677.